The following is an entry in ClinVar:

NM_001379081.2(FREM1):c.3575G>T (p.Arg1192Leu)

Gene: FREM1 (FRAS1 related extracellular matrix 1; minus strand). Cytogenetic location: 9p22.3.
Variant type: single nucleotide variant.
Coding change: c.3575G>T on transcript NM_001379081.2 (MANE Select); coding-DNA position 3575, G replaced by T.
Protein change: p.Arg1192Leu; replaces arginine 1192 with leucine.
Molecular consequence: missense variant. On other transcripts: non-coding transcript variant (2).
Genome position (GRCh38, 1-based): chr9:14,801,771, C>A on the plus strand (G>T on the coding strand, the complement: FREM1 is on the minus strand). VCF-style: chr9-14801771-C-A. GRCh37 (hg19) VCF-style: chr9-14801769-C-A.
Other names: c.3575G>T, p.Arg1192Leu (NM_144966.7); short protein forms R1192L.
Identifiers: ClinVar variation 2797808 (VCV002797808.3), dbSNP rs79023327, ClinGen allele CA372967782.

ClinVar aggregate classification (germline): Uncertain significance (1 of 4 stars; one submission).

gnomAD v4.1: 2 of 1,613,764 alleles (0.00012%); highest among the groups gnomAD compares: African/African-American, 0.0013%; no homozygotes.

Submission:

Labcorp Genetics (formerly Invitae), Labcorp
Classification: Uncertain significance. Last evaluated: 2025-06-12. Review status: criteria provided, single submitter. Criteria: Invitae Variant Classification Sherloc (09022015). Collection method: clinical testing. Allele origin: germline.
Comment: This sequence change replaces arginine, which is basic and polar, with leucine, which is neutral and non-polar, at codon 1192 of the FREM1 protein (p.Arg1192Leu). This variant is not present in population databases (gnomAD no frequency). This variant has not been reported in the literature in individuals affected with FREM1-related conditions. ClinVar contains an entry for this variant (Variation ID: 2797808). Invitae Evidence Modeling of protein sequence and biophysical properties (such as structural, functional, and spatial information, amino acid conservation, physicochemical variation, residue mobility, and thermodynamic stability) indicates that this missense variant is not expected to disrupt FREM1 protein function with a negative predictive value of 80%. In summary, the available evidence is currently insufficient to determine the role of this variant in disease. Therefore, it has been classified as a Variant of Uncertain Significance.